The following is an entry in ClinVar:

ClinVar aggregate classification (germline): Pathogenic (1 of 4 stars; one submission).

Conditions:
GNPTAB-mucolipidosis. Also called: UDP-N-acetylglucosamine-1-phosphotransferase subunit alpha/beta deficiency. Identifiers: MedGen CN322573, MONDO:0100122.

Submission:

Myriad Genetics, Inc.
Classification: Pathogenic for GNPTAB-mucolipidosis. Last evaluated: 2024-03-16. Review status: criteria provided, single submitter. Criteria: Myriad Autosomal Dominant, Autosomal Recessive and X-Linked Classification Criteria (2023). Collection method: clinical testing. Allele origin: unknown.
Comment: NM_024312.4(GNPTAB):c.2486delA(N829Mfs*2) is expected to be pathogenic in the context of GNPTAB-related disorders. This variant is predicted to lead to an abnormal or absent protein product due to the creation of a premature termination codon in GNPTAB, a gene where loss-of-function variants are known to be pathogenic. Please note: this variant was assessed in the context of healthy population screening.

NM_024312.5(GNPTAB):c.2486del (p.Asn829fs)

Gene: GNPTAB (N-acetylglucosamine-1-phosphate transferase subunits alpha and beta; minus strand). Cytogenetic location: 12q23.2.
Variant type: Deletion.
Coding change: c.2486del on transcript NM_024312.5 (MANE Select); coding-DNA position 2486, one base deleted (A; older notation c.2486delA).
Protein change: p.Asn829fs; shifts the reading frame from asparagine 829.
Molecular consequence: frameshift variant.
Genome position (GRCh38, 1-based): chr12:101,764,431, T deleted on the plus strand (A on the coding strand, the reverse complement: GNPTAB is on the minus strand); the first of 3 consecutive T bases (chr12:101,764,431-101,764,433); deleting any one gives the same sequence. VCF-style (leftmost placement, unchanged base first): chr12-101764430-AT-A. GRCh37 (hg19) VCF-style: chr12-102158208-AT-A.
Other names: short protein forms N829fs.
Identifiers: ClinVar variation 5012825 (VCV005012825.1).